The following is an entry in ClinVar:

ClinVar aggregate classification (germline): Uncertain significance. Review status: criteria provided, multiple submitters, no conflicts (2 of 4 stars). 2 submissions from 2 submitters: Uncertain significance (2). Last evaluated 2025-06-09.

Allele frequency attached by ClinVar (database versions not stated): gnomAD exomes 0.00005 and 0.00003; ExAC 0.00007; ESP Exome Variant Server 0.00015; gnomAD 0.00003; TOPMed 0.00003.
gnomAD v4.1: 51 of 1,613,888 alleles (0.0032%); highest among the groups gnomAD compares: South Asian, 0.022%; 1 homozygote.

Submissions (2):

Labcorp Genetics (formerly Invitae), Labcorp
Classification: Uncertain significance. Last evaluated: 2025-06-09. Review status: criteria provided, single submitter. Criteria: Invitae Variant Classification Sherloc (09022015). Collection method: clinical testing. Allele origin: germline.
Comment: This sequence change replaces valine, which is neutral and non-polar, with isoleucine, which is neutral and non-polar, at codon 2758 of the ANK3 protein (p.Val2758Ile). This variant is present in population databases (rs150537210, gnomAD 0.03%), including at least one homozygous and/or hemizygous individual. This variant has not been reported in the literature in individuals affected with ANK3-related conditions. ClinVar contains an entry for this variant (Variation ID: 1336128). Invitae Evidence Modeling of protein sequence and biophysical properties (such as structural, functional, and spatial information, amino acid conservation, physicochemical variation, residue mobility, and thermodynamic stability) indicates that this missense variant is not expected to disrupt ANK3 protein function with a negative predictive value of 80%. In summary, the available evidence is currently insufficient to determine the role of this variant in disease. Therefore, it has been classified as a Variant of Uncertain Significance.

Genetic Services Laboratory, University of Chicago
Classification: Uncertain significance. Last evaluated: 2017-07-26. Review status: criteria provided, single submitter. Criteria: ACMG Guidelines, 2015. Collection method: clinical testing. Allele origin: germline. Affected: no.

NM_020987.5(ANK3):c.8272G>A (p.Val2758Ile)

Gene: ANK3 (ankyrin 3; minus strand). Cytogenetic location: 10q21.2.
Variant type: single nucleotide variant.
Coding change: c.8272G>A on transcript NM_020987.5 (MANE Select); coding-DNA position 8272, G replaced by A.
Protein change: p.Val2758Ile; replaces valine 2758 with isoleucine.
Molecular consequence: missense variant. On other transcripts: intron variant (4).
Genome position (GRCh38, 1-based): chr10:60,072,609, C>T on the plus strand (G>A on the coding strand, the complement: ANK3 is on the minus strand). VCF-style: chr10-60072609-C-T. GRCh37 (hg19) VCF-style: chr10-61832367-C-T.
Other names: c.4388-4600G>A (NM_001204403.2); c.4409-4600G>A (NM_001204404.2); c.4406-4600G>A (NM_001320874.2); c.1808-4600G>A (NM_001149.4); short protein forms V2758I.
Identifiers: ClinVar variation 1336128 (VCV001336128.7), dbSNP rs150537210, ClinGen allele CA5511580.